The following is an entry in ClinVar:

NM_001370298.3(FGD4):c.2173-322del

Gene: FGD4 (FYVE, RhoGEF and PH domain containing 4; plus strand). Cytogenetic location: 12p11.21.
Variant type: Deletion.
Coding change: c.2173-322del on transcript NM_001370298.3 (MANE Select); 322 bases into the intron before coding-DNA position 2173, one base deleted (G; older notation c.2173-322delG).
Molecular consequence: intron variant.
Genome position (GRCh38, 1-based): chr12:32,633,227, G deleted; the last of 5 consecutive G bases (chr12:32,633,223-32,633,227); deleting any one gives the same sequence. VCF-style (leftmost placement, unchanged base first): chr12-32633222-AG-A. GRCh37 (hg19) VCF-style: chr12-32786156-AG-A.
Other names: c.2173-322del (NM_001384126.1); c.2017-322del (NM_001304481.2); c.1483-322del (NM_001330374.2, NM_001330373.2, NM_001384130.1); c.1762-322del (NM_139241.3, NM_001384127.1, NM_001385118.1 and 1 more transcripts); c.730-322del (NM_001304484.2); c.1210-322del (NM_001370297.1); c.1018-322del (NM_001304483.2).
Identifiers: ClinVar variation 668142 (VCV000668142.1), dbSNP rs150852537, ClinGen allele CA235241671.

ClinVar aggregate classification (germline): Benign (1 of 4 stars; one submission).

Submission:

GeneDx
Classification: Benign. Last evaluated: 2018-06-19. Review status: criteria provided, single submitter. Criteria: GeneDx Variant Classification (06012015). Collection method: clinical testing. Allele origin: germline. Affected: yes.
Comment: This variant is considered likely benign or benign based on one or more of the following criteria: it is a conservative change, it occurs at a poorly conserved position in the protein, it is predicted to be benign by multiple in silico algorithms, and/or has population frequency not consistent with disease.